The following is an entry in ClinVar:

ClinVar aggregate classification (germline): Conflicting classifications of pathogenicity. Review status: criteria provided, conflicting classifications (1 of 4 stars). 4 submissions from 4 submitters: Uncertain significance (3); Likely benign (1). Last evaluated 2026-01-12.

Conditions:
NBAS-related disorder. Also called: NBAS-related condition.
Inborn genetic diseases. Identifiers: MedGen C0950123, MeSH D030342.

Allele frequency attached by ClinVar (database versions not stated): gnomAD 0.00002; TOPMed 0.00003.
gnomAD v4.1: 109 of 1,613,918 alleles (0.0068%); highest among the groups gnomAD compares: Non-Finnish European, 0.0086%; no homozygotes.

Submissions (4):

Labcorp Genetics (formerly Invitae), Labcorp
Classification: Likely benign. Last evaluated: 2026-01-12. Review status: criteria provided, single submitter. Criteria: Invitae Variant Classification Sherloc (09022015). Collection method: clinical testing. Allele origin: germline.

PreventionGenetics, part of Exact Sciences
Classification: Uncertain significance for NBAS-related condition. Last evaluated: 2025-01-02. Review status: criteria provided, single submitter. Criteria: ACMG Guidelines, 2015. Collection method: clinical testing. Allele origin: germline.
Comment: The NBAS c.256A>C variant is predicted to result in the amino acid substitution p.Lys86Gln. To our knowledge, this variant has not been reported in the literature. This variant is reported in 0.012% of alleles in individuals of European (Non-Finnish) descent in gnomAD. At this time, the clinical significance of this variant is uncertain due to the absence of conclusive functional and genetic evidence.

Ambry Genetics
Classification: Uncertain significance for Inborn genetic diseases. Last evaluated: 2024-05-14. Review status: criteria provided, single submitter. Criteria: Ambry Variant Classification Scheme 2023. Collection method: clinical testing. Allele origin: germline.

Mayo Clinic Laboratories, Mayo Clinic
Classification: Uncertain significance. Last evaluated: 2023-09-13. Review status: criteria provided, single submitter. Criteria: ACMG Guidelines, 2015. Collection method: clinical testing. Allele origin: germline. Observed: 1 variant allele.
Comment: BP4

NM_015909.4(NBAS):c.256A>C (p.Lys86Gln)

Gene: NBAS (NBAS subunit of NRZ tethering complex; minus strand). Cytogenetic location: 2p24.3.
Variant type: single nucleotide variant.
Coding change: c.256A>C on transcript NM_015909.4 (MANE Select); coding-DNA position 256, A replaced by C.
Protein change: p.Lys86Gln; replaces lysine 86 with glutamine.
Molecular consequence: missense variant. On other transcripts: non-coding transcript variant (1).
Genome position (GRCh38, 1-based): chr2:15,554,092, T>G on the plus strand (A>C on the coding strand, the complement: NBAS is on the minus strand). VCF-style: chr2-15554092-T-G. GRCh37 (hg19) VCF-style: chr2-15694216-T-G.
Other names: p.Lys86Gln; c.256A>C (NM_015909.3, NM_015909.2); short protein forms K86Q.
Identifiers: ClinVar variation 1505317 (VCV001505317.9), dbSNP rs200344246, ClinGen allele CA1537147.
Genomic context (GRCh38, chr2:15,554,092, plus strand): 5'-GAAAAACATTGAATTTCACACTTCCTTACCTTGCAAGTACCAAATGCCAGTTTATCTGTT[T>G]ATTAACCAAGCGAACCAGTCCATCAGGGAGCAAAAAAGGTGCCGGGCTGAAATCACAACA-3'
Protein context (NP_056993.2, residues 76-96): LPDGLVRLVN[Lys86Gln]QINWHLVLAS